The following is an entry in ClinVar:

NM_015450.3(POT1):c.1863dup (p.Tyr622fs)

Gene: POT1 (protection of telomeres 1; minus strand). Cytogenetic location: 7q31.33.
Variant type: Duplication.
Coding change: c.1863dup on transcript NM_015450.3 (MANE Select); coding-DNA position 1863, one base duplicated (C; older notation c.1863dupC).
Protein change: p.Tyr622fs; shifts the reading frame from tyrosine 622.
Molecular consequence: frameshift variant. On other transcripts: non-coding transcript variant (3).
Genome position (GRCh38, 1-based): chr7:124,824,004, G duplicated on the plus strand (C on the coding strand, the reverse complement: POT1 is on the minus strand). VCF-style (leftmost placement, unchanged base first): chr7-124824003-A-AG. GRCh37 (hg19) VCF-style: chr7-124464057-A-AG.
Other names: c.1470dup, p.Tyr491fs (NM_001042594.2); short protein forms Y491fs, Y622fs.
Identifiers: ClinVar variation 4730994 (VCV004730994.1).
Genomic context (GRCh38, chr7:124,824,003, plus strand): 5'-GCTAAATTGGATGGCAATATTAGATTACATCTTCTGCAACTGTGGTGTCAAAAATCTGAT[A>AG]GCAAATTTGATTATCTGTTCCATTTGTGACATTGTATGACTTGATGAAGCATTCCAACCA-3'

ClinVar aggregate classification (germline): Uncertain significance (1 of 4 stars; one submission).

Conditions:
Tumor predisposition syndrome 3 (TPDS3). Also called: Melanoma, cutaneous malignant, susceptibility to, 10; Glioma susceptibility 9; LONG TELOMERE SYNDROME, POT1-RELATED; POT1 Tumor Predisposition. Identifiers: Orphanet 618, MedGen C4014476, MONDO:0014368, OMIM 615848.

Submission:

Labcorp Genetics (formerly Invitae), Labcorp
Classification: Uncertain significance for Tumor predisposition syndrome 3. Last evaluated: 2025-11-23. Review status: criteria provided, single submitter. Criteria: Invitae Variant Classification Sherloc (09022015). Collection method: clinical testing. Allele origin: germline.
Comment: This sequence change creates a premature translational stop signal (p.Tyr622Leufs*5) in the POT1 gene. While this is not anticipated to result in nonsense mediated decay, it is expected to disrupt the last 13 amino acid(s) of the POT1 protein. This variant is not present in population databases (gnomAD no frequency). This variant has not been reported in the literature in individuals affected with POT1-related conditions. Experimental studies and prediction algorithms are not available or were not evaluated, and the functional significance of this variant is currently unknown. In summary, the available evidence is currently insufficient to determine the role of this variant in disease. Therefore, it has been classified as a Variant of Uncertain Significance.